The following is an entry in ClinVar:

NM_001384140.1(PCDH15):c.1709_1719del (p.Gly570fs)

Gene: PCDH15 (protocadherin related 15; minus strand). Cytogenetic location: 10q21.1.
Variant type: Deletion.
Coding change: c.1709_1719del on transcript NM_001384140.1 (MANE Select); coding-DNA positions 1709 to 1719, 11 bases deleted (GGGTGGAAATG).
Protein change: p.Gly570fs; shifts the reading frame from glycine 570.
Molecular consequence: frameshift variant.
Genome position (GRCh38, 1-based): chr10:54,153,165-54,153,175, CATTTCCACCC deleted on the plus strand (GGGTGGAAATG on the coding strand, the reverse complement: PCDH15 is on the minus strand); deleting any 11 consecutive bases within chr10:54,153,165-54,153,176 gives the same sequence; the c. name uses the placement nearest the transcript's 3' end. VCF-style (leftmost placement, unchanged base first): chr10-54153164-TCATTTCCACCC-T. GRCh37 (hg19) VCF-style: chr10-55912924-TCATTTCCACCC-T.
Other names: c.1724_1734del, p.Gly575fs (NM_001142763.2, NM_001142771.2); c.1709_1719del, p.Gly570fs (NM_001142764.2, NM_001142765.2, NM_001142766.2 and 6 more transcripts); c.1598_1608del, p.Gly533fs (NM_001142767.2); c.1643_1653del, p.Gly548fs (NM_001142768.2, NM_001142773.2, NM_001354404.2); c.1744_1754delGGGGTGGAAAT, p.Gly582Aspfs (NM_001142769.4); c.1730_1740del, p.Gly577fs (NM_001354411.2); short protein forms G533fs, G575fs, G548fs, G570fs, G577fs, G582fs.
Identifiers: ClinVar variation 948686 (VCV000948686.7), dbSNP rs2044717037, ClinGen allele CA1139661441.

ClinVar aggregate classification (germline): Pathogenic (1 of 4 stars; one submission).

Submission:

Labcorp Genetics (formerly Invitae), Labcorp
Classification: Pathogenic. Last evaluated: 2019-05-01. Review status: criteria provided, single submitter. Criteria: Invitae Variant Classification Sherloc (09022015). Collection method: clinical testing. Allele origin: germline.
Comment: For these reasons, this variant has been classified as Pathogenic. Loss-of-function variants in PCDH15 are known to be pathogenic (PMID: 11398101, 11487575, 14570705). Algorithms developed to predict the effect of sequence changes on RNA splicing suggest that this variant may create or strengthen a splice site, but this prediction has not been confirmed by published transcriptional studies. This variant has not been reported in the literature in individuals with PCDH15-related conditions. This variant is not present in population databases (ExAC no frequency). This sequence change creates a premature translational stop signal (p.Gly570Aspfs*15) in the PCDH15 gene. It is expected to result in an absent or disrupted protein product.

Literature cited by the submitters: PubMed 11398101; PubMed 11487575; PubMed 14570705.